The following is an entry in ClinVar:

NM_170606.3(KMT2C):c.1814-2A>C

Gene: KMT2C (lysine methyltransferase 2C; minus strand). Cytogenetic location: 7q36.1.
Variant type: single nucleotide variant.
Coding change: c.1814-2A>C on transcript NM_170606.3 (MANE Select); the canonical splice acceptor site of the intron before coding-DNA position 1814, A replaced by C.
Molecular consequence: splice acceptor variant.
Genome position (GRCh38, 1-based): chr7:152,248,622, T>G on the plus strand (A>C on the coding strand, the complement: KMT2C is on the minus strand). VCF-style: chr7-152248622-T-G. GRCh37 (hg19) VCF-style: chr7-151945707-T-G.
Identifiers: ClinVar variation 4884801 (VCV004884801.2).

ClinVar aggregate classification (germline): Uncertain significance. Review status: criteria provided, single submitter (1 of 4 stars). 2 submissions from 2 submitters: Uncertain significance (1). 1 of the submissions does not count toward it. Last evaluated 2026-08-05.

Conditions:
Kleefstra syndrome 2 (KLEFS2). Identifiers: MedGen C4540395, MONDO:0054701, OMIM 617768.
Fetal anomalies with a likely genetic cause.

gnomAD v4.1: 76 of 1,578,446 alleles (0.0048%); highest among the groups gnomAD compares: South Asian, 0.085%; no homozygotes.

Submissions (2):

Genetics Laboratory, Great Ormond Street Hospital NHS Foundation Trust, North Thames Genomic Laboratory Hub
Classification: Uncertain significance for Fetal anomalies with a likely genetic cause. Last evaluated: 2026-08-05. Review status: criteria provided, single submitter. Criteria: ACGS Best Practice Guidelines for Variant Classification in Rare Disease 2024 v1.2. Collection method: clinical testing. Allele origin: germline. Affected: yes.
Comment: BS1_strong, PVS1_very-strong

Hong-Tao Li Lab, Institute of Brain Science and Brain-inspired Research, Shandong First Medical University & Shandong Academy of Medical Sciences China
Classification: Likely pathogenic for Kleefstra syndrome 2. Review status: no assertion criteria provided. Collection method: research. Allele origin: germline. Inheritance: Autosomal dominant inheritance. Affected: yes. Observed: 1 variant allele, 1 heterozygote. Not counted in ClinVar's aggregate classification.
Comment: Observed in affected individuals from a Pakistani neurodevelopmental-disorder research cohort of 263 individuals. Classification assigned using the ACMG/AMP framework. Population-frequency evidence: gnomAD AF 8.513e-05.